The following is an entry in ClinVar:

ClinVar aggregate classification (germline): Pathogenic. Review status: reviewed by expert panel (3 of 4 stars). 4 submissions from 4 submitters: Pathogenic (1). 3 of the submissions do not count toward it. Last evaluated 2016-10-18.

Conditions:
Hereditary breast ovarian cancer syndrome. Also called: Hereditary breast and ovarian cancer syndrome (HBOC); Breast and ovarian cancer; Hereditary breast and ovarian cancer syndrome; Hereditary breast and ovarian cancer; BRCA1- and BRCA2-Associated Hereditary Breast and Ovarian Cancer; Hereditary breast and/or ovarian cancer syndrome. Identifiers: Orphanet 145, MedGen C0677776, MeSH D061325, MONDO:0003582. Disease mechanism: loss of function.
Breast-ovarian cancer, familial, susceptibility to, 1 (BROVCA1). Also called: BRCA1 Hereditary Breast and Ovarian Cancer; OVARIAN CANCER, SUSCEPTIBILITY TO. Identifiers: Orphanet 145, MedGen C2676676, MONDO:0011450, OMIM 604370. Disease mechanism: loss of function.

Submissions (4):

Evidence-based Network for the Interpretation of Germline Mutant Alleles (ENIGMA)
Classification: Pathogenic for Breast-ovarian cancer, familial, susceptibility to, 1. Last evaluated: 2016-10-18. Review status: reviewed by expert panel. Criteria: ENIGMA BRCA1/2 Classification Criteria (2015). Collection method: curation. Allele origin: germline.
Comment: Variant allele predicted to encode a truncated non-functional protein.

Labcorp Genetics (formerly Invitae), Labcorp
Classification: Pathogenic for Hereditary breast ovarian cancer syndrome. Last evaluated: 2022-12-17. Review status: criteria provided, single submitter. Criteria: Invitae Variant Classification Sherloc (09022015). Collection method: clinical testing. Allele origin: germline. Not counted in ClinVar's aggregate classification.
Comment: For these reasons, this variant has been classified as Pathogenic. ClinVar contains an entry for this variant (Variation ID: 266289). This variant has not been reported in the literature in individuals affected with BRCA1-related conditions. This variant is not present in population databases (gnomAD no frequency). This sequence change creates a premature translational stop signal (p.Phe885Ilefs*18) in the BRCA1 gene. It is expected to result in an absent or disrupted protein product. Loss-of-function variants in BRCA1 are known to be pathogenic (PMID: 20104584).

GeneDx
Classification: Pathogenic. Last evaluated: 2017-06-14. Review status: criteria provided, single submitter. Criteria: GeneDx Variant Classification (06012015). Collection method: clinical testing. Allele origin: germline. Affected: yes. Not counted in ClinVar's aggregate classification.
Comment: This duplication of one nucleotide in BRCA1 is denoted c.2652dupA at the cDNA level and p.Phe885IlefsX18 (F885IfsX18) at the protein level. Using alternate nomenclature, this variant would be defined as BRCA1 2771insA. The normal sequence, with the base that is duplicated in brackets, is CAAC[dupA]TTCT. The duplication causes a frameshift which changes a Phenylalanine to an Isoleucine at codon 885, and creates a premature stop codon at position 18 of the new reading frame. Although this variant has not, to our knowledge, been reported in the literature, it is predicted to cause loss of normal protein function through either protein truncation or nonsense-mediated mRNA decay. We consider this variant to be pathogenic.

Consortium of Investigators of Modifiers of BRCA1/2 (CIMBA), c/o University of Cambridge
Classification: Pathogenic for Breast-ovarian cancer, familial, susceptibility to, 1. Last evaluated: 2015-10-02. Review status: criteria provided, single submitter. Criteria: CIMBA Mutation Classification guidelines May 2016. Collection method: clinical testing. Allele origin: germline. Not counted in ClinVar's aggregate classification.

Literature cited by the submitters: PubMed 20104584 (cited by Labcorp Genetics (formerly Invitae), Labcorp).

NM_007294.4(BRCA1):c.2652dup (p.Phe885fs)

Gene: BRCA1 (BRCA1 DNA repair associated; minus strand). Cytogenetic location: 17q21.31.
Variant type: Duplication.
Coding change: c.2652dup on transcript NM_007294.4 (MANE Select); coding-DNA position 2652, one base duplicated (A; older notation c.2652dupA).
Protein change: p.Phe885fs; shifts the reading frame from phenylalanine 885.
Molecular consequence: frameshift variant. On other transcripts: intron variant (137).
Genome position (GRCh38, 1-based): chr17:43,092,879, T duplicated on the plus strand (A on the coding strand, the reverse complement: BRCA1 is on the minus strand). VCF-style (leftmost placement, unchanged base first): chr17-43092878-A-AT. GRCh37 (hg19) VCF-style: chr17-41244895-A-AT.
Other names: 2771insA-ter902; c.2652dupA (NM_007294.3); c.2511dup, p.Phe838fs (NM_001407750.1, NM_001407751.1, NM_001407752.1 and 29 more transcripts); c.2508dup, p.Phe837fs (NM_001407838.1, NM_001407839.1, NM_001407841.1 and 20 more transcripts); c.2439dup, p.Phe814fs (NM_001407853.1, NM_001407894.1, NM_001407895.1 and 9 more transcripts); c.2652dup, p.Phe885fs (NM_001407854.1, NM_001407858.1, NM_001407859.1 and 30 more transcripts); c.2649dup, p.Phe884fs (NM_001407860.1, NM_001407861.1, NM_001407587.1 and 22 more transcripts); c.2451dup, p.Phe818fs (NM_001407862.1); and 43 more; short protein forms F838fs, F885fs, F757fs, F817fs, F818fs, F843fs, F882fs, F717fs.
Identifiers: ClinVar variation 266289 (VCV000266289.10), dbSNP rs886040059, ClinGen allele CA10589827.